The following is an entry in ClinVar:

NM_015570.4(AUTS2):c.185C>T (p.Pro62Leu)

Gene: AUTS2 (activator of transcription and developmental regulator AUTS2; plus strand). Cytogenetic location: 7q11.22.
Variant type: single nucleotide variant.
Coding change: c.185C>T on transcript NM_015570.4 (MANE Select); coding-DNA position 185, C replaced by T.
Protein change: p.Pro62Leu; replaces proline 62 with leucine.
Molecular consequence: missense variant.
Genome position (GRCh38, 1-based): chr7:69,599,838, C>T. VCF-style: chr7-69599838-C-T. GRCh37 (hg19) VCF-style: chr7-69064824-C-T.
Other names: c.185C>T (NM_015570.2); c.185C>T, p.Pro62Leu (NM_001127231.3, NM_001127232.3); short protein forms P62L.
Identifiers: ClinVar variation 2080939 (VCV002080939.5), dbSNP rs750105505, ClinGen allele CA4280247.

ClinVar aggregate classification (germline): Uncertain significance. Review status: criteria provided, multiple submitters, no conflicts (2 of 4 stars). 2 submissions from 2 submitters: Uncertain significance (2). Last evaluated 2025-09-03.

Allele frequency attached by ClinVar (database versions not stated): gnomAD 0.00002; ExAC 0.00003; TOPMed 0.00003; gnomAD exomes 0.00005.
gnomAD v4.1: 72 of 1,611,802 alleles (0.0045%); highest among the groups gnomAD compares: Non-Finnish European, 0.005%; no homozygotes.

Submissions (2):

Labcorp Genetics (formerly Invitae), Labcorp
Classification: Uncertain significance. Last evaluated: 2025-09-03. Review status: criteria provided, single submitter. Criteria: Invitae Variant Classification Sherloc (09022015). Collection method: clinical testing. Allele origin: germline.
Comment: This sequence change replaces proline, which is neutral and non-polar, with leucine, which is neutral and non-polar, at codon 62 of the AUTS2 protein (p.Pro62Leu). This variant is present in population databases (rs750105505, gnomAD 0.02%). This variant has not been reported in the literature in individuals affected with AUTS2-related conditions. ClinVar contains an entry for this variant (Variation ID: 2080939). An algorithm developed to predict the effect of missense changes on protein structure and function (PolyPhen-2) suggests that this variant is likely to be disruptive. In summary, the available evidence is currently insufficient to determine the role of this variant in disease. Therefore, it has been classified as a Variant of Uncertain Significance.

GeneDx
Classification: Uncertain significance. Last evaluated: 2024-09-10. Review status: criteria provided, single submitter. Criteria: GeneDx Variant Classification Process June 2021. Collection method: clinical testing. Allele origin: germline. Affected: yes.
Comment: In silico analysis supports that this missense variant has a deleterious effect on protein structure/function; Has not been previously published as pathogenic or benign to our knowledge